The following is an entry in ClinVar:

NM_001122681.2(SH3BP2):c.586G>T (p.Asp196Tyr)

Gene: SH3BP2 (SH3 domain binding protein 2; plus strand). Cytogenetic location: 4p16.3.
Variant type: single nucleotide variant.
Coding change: c.586G>T on transcript NM_001122681.2 (MANE Select); coding-DNA position 586, G replaced by T.
Protein change: p.Asp196Tyr; replaces aspartic acid 196 with tyrosine.
Molecular consequence: missense variant.
Genome position (GRCh38, 1-based): chr4:2,827,674, G>T. VCF-style: chr4-2827674-G-T. GRCh37 (hg19) VCF-style: chr4-2829401-G-T.
Other names: c.670G>T, p.Asp224Tyr (NM_001145855.2); c.757G>T, p.Asp253Tyr (NM_001145856.2); c.586G>T, p.Asp196Tyr (NM_003023.4); short protein forms D196Y, D224Y, D253Y.
Identifiers: ClinVar variation 1940905 (VCV001940905.5), dbSNP rs2530340943, ClinGen allele CA356054952.

ClinVar aggregate classification (germline): Uncertain significance (1 of 4 stars; one submission).

Conditions:
Fibrous dysplasia of jaw (CRBM). Also called: Cherubism. Identifiers: Orphanet 184, MedGen C0008029, MONDO:0007315, OMIM 118400.

Allele frequency attached by ClinVar (database versions not stated): gnomAD exomes below 0.00001.
gnomAD v4.1: 3 of 1,583,736 alleles (0.00019%); highest among the groups gnomAD compares: Non-Finnish European, 0.00026%; no homozygotes.

Submission:

Labcorp Genetics (formerly Invitae), Labcorp
Classification: Uncertain significance for Fibrous dysplasia of jaw. Last evaluated: 2022-07-27. Review status: criteria provided, single submitter. Criteria: Invitae Variant Classification Sherloc (09022015). Collection method: clinical testing. Allele origin: germline.
Comment: This sequence change replaces aspartic acid, which is acidic and polar, with tyrosine, which is neutral and polar, at codon 196 of the SH3BP2 protein (p.Asp196Tyr). This variant also falls at the last nucleotide of exon 7, which is part of the consensus splice site for this exon. This variant is not present in population databases (gnomAD no frequency). This variant has not been reported in the literature in individuals affected with SH3BP2-related conditions. Algorithms developed to predict the effect of missense changes on protein structure and function are either unavailable or do not agree on the potential impact of this missense change (SIFT: "Deleterious"; PolyPhen-2: "Probably Damaging"; Align-GVGD: "Class C0"). Variants that disrupt the consensus splice site are a relatively common cause of aberrant splicing (PMID: 17576681, 9536098). Algorithms developed to predict the effect of sequence changes on RNA splicing suggest that this variant may create or strengthen a splice site. In summary, the available evidence is currently insufficient to determine the role of this variant in disease. Therefore, it has been classified as a Variant of Uncertain Significance.

Literature cited by the submitters: PubMed 17576681; PubMed 9536098.